The following is an entry in ClinVar:

NM_002109.6(HARS1):c.1195-9_1195-8delinsTA

Gene: HARS1 (histidyl-tRNA synthetase 1; minus strand). Cytogenetic location: 5q31.3.
Variant type: Indel.
Coding change: c.1195-9_1195-8delinsTA on transcript NM_002109.6 (MANE Select); 9 bases into the intron before coding-DNA position 1195 through 8 bases into the intron before coding-DNA position 1195, CT replaced by TA.
Molecular consequence: intron variant.
Genome position (GRCh38, 1-based): chr5:140,675,141-140,675,142, AG replaced by TA on the plus strand (CT replaced by TA on the coding strand, the reverse complement: HARS1 is on the minus strand). VCF-style: chr5-140675141-AG-TA. GRCh37 (hg19) VCF-style: chr5-140054726-AG-TA.
Other names: c.1108-9_1108-8delinsTA (NM_001289094.2); c.853-9_853-8delinsTA (NM_001289093.2); c.1015-9_1015-8delinsTA (NM_001258042.3); c.1075-9_1075-8delinsTA (NM_001258040.3); c.973-9_973-8delinsTA (NM_001289092.2); c.1135-9_1135-8delinsTA (NM_001258041.3).
Identifiers: ClinVar variation 2099737 (VCV002099737.4), dbSNP rs2481236658, ClinGen allele CA2580073005.

ClinVar aggregate classification (germline): Uncertain significance (1 of 4 stars; one submission).

Conditions:
Usher syndrome type 3B. Also called: USHER SYNDROME, TYPE IIIB. Identifiers: MedGen C3281066, MONDO:0013788, OMIM 614504.

Submission:

Labcorp Genetics (formerly Invitae), Labcorp
Classification: Uncertain significance for Usher syndrome type 3B. Last evaluated: 2022-03-22. Review status: criteria provided, single submitter. Criteria: Invitae Variant Classification Sherloc (09022015). Collection method: clinical testing. Allele origin: germline.
Comment: In summary, the available evidence is currently insufficient to determine the role of this variant in disease. Therefore, it has been classified as a Variant of Uncertain Significance. Experimental studies and prediction algorithms are not available or were not evaluated, and the effect of this variant on mRNA splicing is currently unknown. This variant has not been reported in the literature in individuals affected with HARS-related conditions. Information on the frequency of this variant in the gnomAD database is not available, as this variant may be reported differently in the database. This sequence change falls in intron 10 of the HARS gene. It does not directly change the encoded amino acid sequence of the HARS protein.